The following is an entry in ClinVar:

NM_002180.3(IGHMBP2):c.1913C>T (p.Thr638Met)

Gene: IGHMBP2 (immunoglobulin mu DNA binding protein 2; plus strand). Cytogenetic location: 11q13.3.
Variant type: single nucleotide variant.
Coding change: c.1913C>T on transcript NM_002180.3 (MANE Select); coding-DNA position 1913, C replaced by T.
Protein change: p.Thr638Met; replaces threonine 638 with methionine.
Molecular consequence: missense variant.
Genome position (GRCh38, 1-based): chr11:68,936,393, C>T. VCF-style: chr11-68936393-C-T. GRCh37 (hg19) VCF-style: chr11-68703861-C-T.
Other names: short protein forms T638M.
Identifiers: ClinVar variation 234691 (VCV000234691.9), dbSNP rs747465472, ClinGen allele CA6153803.

ClinVar aggregate classification (germline): Uncertain significance. Review status: criteria provided, multiple submitters, no conflicts (2 of 4 stars). 3 submissions from 3 submitters: Uncertain significance (3). Last evaluated 2022-09-27.

Conditions:
Autosomal recessive distal spinal muscular atrophy 1. Also called: HMN VI; NEURONOPATHY, SEVERE INFANTILE AXONAL, WITH RESPIRATORY FAILURE; SEVERE INFANTILE AXONAL NEUROPATHY WITH RESPIRATORY FAILURE; SPINAL MUSCULAR ATROPHY, DIAPHRAGMATIC; NEURONOPATHY, DISTAL HEREDITARY MOTOR, HARDING TYPE VI; NEUROPATHY, DISTAL HEREDITARY MOTOR, AUTOSOMAL RECESSIVE 1. Identifiers: Orphanet 98920, MedGen C1858517, MONDO:0011436, OMIM 604320.
Charcot-Marie-Tooth disease axonal type 2S. Also called: CHARCOT-MARIE-TOOTH DISEASE, AXONAL, AUTOSOMAL RECESSIVE, TYPE 2S; CHARCOT-MARIE-TOOTH NEUROPATHY, TYPE 2S. Identifiers: Orphanet 443073, MedGen C4015349, MONDO:0014511, OMIM 616155.

Allele frequency attached by ClinVar (database versions not stated): ExAC 0.00002; gnomAD exomes 0.00003 and 0.00004; gnomAD 0.00005 and 0.00006; TOPMed 0.00006.
gnomAD v4.1: 58 of 1,614,072 alleles (0.0036%); highest among the groups gnomAD compares: African/African-American, 0.011%; no homozygotes.

Submissions (3):

Labcorp Genetics (formerly Invitae), Labcorp
Classification: Uncertain significance for Autosomal recessive distal spinal muscular atrophy 1; Charcot-Marie-Tooth disease axonal type 2S. Last evaluated: 2022-09-27. Review status: criteria provided, single submitter. Criteria: Invitae Variant Classification Sherloc (09022015). Collection method: clinical testing. Allele origin: germline.
Comment: This sequence change replaces threonine, which is neutral and polar, with methionine, which is neutral and non-polar, at codon 638 of the IGHMBP2 protein (p.Thr638Met). This variant is present in population databases (rs747465472, gnomAD 0.01%). This variant has not been reported in the literature in individuals affected with IGHMBP2-related conditions. ClinVar contains an entry for this variant (Variation ID: 234691). Advanced modeling of protein sequence and biophysical properties (such as structural, functional, and spatial information, amino acid conservation, physicochemical variation, residue mobility, and thermodynamic stability) has been performed at Invitae for this missense variant, however the output from this modeling did not meet the statistical confidence thresholds required to predict the impact of this variant on IGHMBP2 protein function. In summary, the available evidence is currently insufficient to determine the role of this variant in disease. Therefore, it has been classified as a Variant of Uncertain Significance.

Revvity Omics, Revvity
Classification: Uncertain significance. Last evaluated: 2019-03-07. Review status: criteria provided, single submitter. Criteria: ACMG Guidelines, 2015. Collection method: clinical testing. Allele origin: germline.

GeneDx
Classification: Uncertain significance. Last evaluated: 2015-12-08. Review status: criteria provided, single submitter. Criteria: GeneDx Variant Classification (06012015). Collection method: clinical testing. Allele origin: germline. Affected: yes.
Comment: The T638M variant has not been published as a pathogenic variant, nor has it been reported as a benign variant to our knowledge. It was not observed in approximately 6,500 individuals of European and African American ancestry in the NHLBI Exome Sequencing Project, indicating it is not a common benign variant in these populations. The T638M variant is a non-conservative amino acid substitution, which is likely to impact secondary protein structure as these residues differ in polarity, charge, size and/or other properties. In silico analysis predicts this variant is probably damaging to the protein structure/function. However, this substitution occurs at a position where amino acids with similar properties to Threonine are tolerated across species. Therefore, based on the currently available information, it is unclear whether this variant is a pathogenic variant or a rare benign variant.